The following is an entry in ClinVar:

ClinVar aggregate classification (germline): Uncertain significance. Review status: criteria provided, multiple submitters, no conflicts (2 of 4 stars). 2 submissions from 2 submitters: Uncertain significance (2). Last evaluated 2025-02-21.

Conditions:
Polycystic liver disease 2 (PCLD2). Also called: Polycystic liver disease 2 with or without kidney cysts. Identifiers: Orphanet 2924, MedGen C4310769, MONDO:0014860, OMIM 617004.

gnomAD v4.1: 19 of 1,613,862 alleles (0.0012%); highest among the groups gnomAD compares: East Asian, 0.018%; no homozygotes.

Submissions (2):

Labcorp Genetics (formerly Invitae), Labcorp
Classification: Uncertain significance. Last evaluated: 2025-02-21. Review status: criteria provided, single submitter. Criteria: Invitae Variant Classification Sherloc (09022015). Collection method: clinical testing. Allele origin: germline.
Comment: This sequence change replaces arginine, which is basic and polar, with cysteine, which is neutral and slightly polar, at codon 356 of the SEC63 protein (p.Arg356Cys). This variant is present in population databases (rs747325227, gnomAD 0.04%). This variant has not been reported in the literature in individuals affected with SEC63-related conditions. ClinVar contains an entry for this variant (Variation ID: 3592909). An algorithm developed to predict the effect of missense changes on protein structure and function (PolyPhen-2) suggests that this variant is likely to be disruptive. In summary, the available evidence is currently insufficient to determine the role of this variant in disease. Therefore, it has been classified as a Variant of Uncertain Significance.

Fulgent Genetics
Classification: Uncertain significance for Polycystic liver disease 2. Last evaluated: 2024-02-17. Review status: criteria provided, single submitter. Criteria: ACMG Guidelines, 2015. Collection method: clinical testing. Allele origin: germline.

NM_007214.5(SEC63):c.1066C>T (p.Arg356Cys)

Gene: SEC63 (SEC63 protein translocation regulator; minus strand). Cytogenetic location: 6q21.
Variant type: single nucleotide variant.
Coding change: c.1066C>T on transcript NM_007214.5 (MANE Select); coding-DNA position 1066, C replaced by T.
Protein change: p.Arg356Cys; replaces arginine 356 with cysteine.
Molecular consequence: missense variant.
Genome position (GRCh38, 1-based): chr6:107,902,987, G>A on the plus strand (C>T on the coding strand, the complement: SEC63 is on the minus strand). VCF-style: chr6-107902987-G-A. GRCh37 (hg19) VCF-style: chr6-108224191-G-A.
Other names: short protein forms R356C.
Identifiers: ClinVar variation 3592909 (VCV003592909.3).